The following is an entry in ClinVar:

ClinVar aggregate classification (germline): Pathogenic (1 of 4 stars; one submission).

Submission:

Labcorp Genetics (formerly Invitae), Labcorp
Classification: Pathogenic. Last evaluated: 2023-08-29. Review status: criteria provided, single submitter. Criteria: Invitae Variant Classification Sherloc (09022015). Collection method: clinical testing. Allele origin: germline.
Comment: For these reasons, this variant has been classified as Pathogenic. This variant has not been reported in the literature in individuals affected with EYS-related conditions. This variant is not present in population databases (gnomAD no frequency). This sequence change creates a premature translational stop signal (p.Asn63Lysfs*2) in the EYS gene. It is expected to result in an absent or disrupted protein product. Loss-of-function variants in EYS are known to be pathogenic (PMID: 18836446, 20333770).

Literature cited by the submitters: PubMed 18836446; PubMed 20333770.

NM_001142800.2(EYS):c.189_195del (p.Asn63fs)

Gene: EYS (EGF-like photoreceptor maintenance factor; minus strand). Cytogenetic location: 6q12.
Variant type: Deletion.
Coding change: c.189_195del on transcript NM_001142800.2 (MANE Select); coding-DNA positions 189 to 195, 7 bases deleted (CACTAAA; older notation c.189_195delCACTAAA).
Protein change: p.Asn63fs; shifts the reading frame from asparagine 63.
Molecular consequence: frameshift variant.
Genome position (GRCh38, 1-based): chr6:65,495,216-65,495,222, TTTAGTG deleted on the plus strand (CACTAAA on the coding strand, the reverse complement: EYS is on the minus strand); deleting any 7 consecutive bases within chr6:65,495,216-65,495,226 gives the same sequence; the c. name uses the placement nearest the transcript's 3' end. VCF-style (leftmost placement, unchanged base first): chr6-65495215-TTTTAGTG-T. GRCh37 (hg19) VCF-style: chr6-66205108-TTTTAGTG-T.
Other names: c.189_195del, p.Asn63fs (NM_001142801.2, NM_001292009.2, NM_198283.2); short protein forms N63fs.
Identifiers: ClinVar variation 2755945 (VCV002755945.3), dbSNP rs2533029860, ClinGen allele CA2697553555.